The following is an entry in ClinVar:

ClinVar aggregate classification (germline): Uncertain significance. Review status: criteria provided, multiple submitters, no conflicts (2 of 4 stars). 5 submissions from 5 submitters: Uncertain significance (5). Last evaluated 2024-03-07.

Conditions:
Hereditary cancer-predisposing syndrome. Also called: Hereditary Cancer Syndrome; Neoplastic Syndromes, Hereditary; Hereditary neoplastic syndrome; Tumor predisposition. Identifiers: Orphanet 140162, MedGen C0027672, MeSH D009386, MONDO:0015356.
Hereditary nonpolyposis colorectal neoplasms. Identifiers: MedGen C0009405, MeSH D003123.
Endometrial carcinoma. Also called: Endometrial carcinoma, somatic. Identifiers: MedGen C0476089, MONDO:0002447, OMIM 608089, HP:0012114.

Submissions (5):

Color Diagnostics, LLC DBA Color Health
Classification: Uncertain significance for Hereditary cancer-predisposing syndrome. Last evaluated: 2024-03-07. Review status: criteria provided, single submitter. Criteria: ACMG Guidelines, 2015. Collection method: clinical testing. Allele origin: germline.
Comment: This missense variant replaces valine with alanine at codon 1132 of the MSH6 protein. Computational prediction suggests that this variant may have deleterious impact on protein structure and function (internally defined REVEL score threshold >= 0.7, PMID: 27666373). Splice site prediction tools suggest that this variant may not impact RNA splicing. To our knowledge, functional studies have not been performed for this variant. This variant has not been reported in individuals affected with hereditary cancer in the literature. This variant has not been identified in the general population by the Genome Aggregation Database (gnomAD). The available evidence is insufficient to determine the role of this variant in disease conclusively. Therefore, this variant is classified as a Variant of Uncertain Significance.

Baylor Genetics
Classification: Uncertain significance for Endometrial carcinoma. Last evaluated: 2023-09-08. Review status: criteria provided, single submitter. Criteria: ACMG Guidelines, 2015. Collection method: clinical testing. Allele origin: unknown.

Labcorp Genetics (formerly Invitae), Labcorp
Classification: Uncertain significance for Hereditary nonpolyposis colorectal neoplasms. Last evaluated: 2023-02-05. Review status: criteria provided, single submitter. Criteria: Invitae Variant Classification Sherloc (09022015). Collection method: clinical testing. Allele origin: germline.
Comment: In summary, the available evidence is currently insufficient to determine the role of this variant in disease. Therefore, it has been classified as a Variant of Uncertain Significance. Algorithms developed to predict the effect of missense changes on protein structure and function (SIFT, PolyPhen-2, Align-GVGD) all suggest that this variant is likely to be disruptive. ClinVar contains an entry for this variant (Variation ID: 428318). This variant has not been reported in the literature in individuals affected with MSH6-related conditions. This variant is not present in population databases (gnomAD no frequency). This sequence change replaces valine, which is neutral and non-polar, with alanine, which is neutral and non-polar, at codon 1132 of the MSH6 protein (p.Val1132Ala).

Women's Health and Genetics/Laboratory Corporation of America, LabCorp
Classification: Uncertain significance. Last evaluated: 2020-12-18. Review status: criteria provided, single submitter. Criteria: LabCorp Variant Classification Summary - May 2015. Collection method: clinical testing. Allele origin: germline.
Comment: Variant summary: MSH6 c.3395T>C (p.Val1132Ala) results in a non-conservative amino acid change located in the DNA mismatch repair protein, MutS, C-terminal domain (IPR000432) of the encoded protein sequence. Five of five in-silico tools predict a damaging effect of the variant on protein function. The variant was absent in 251420 control chromosomes. The available data on variant occurrences in the general population are insufficient to allow any conclusion about variant significance. To our knowledge, no occurrence of c.3395T>C in individuals affected with Lynch Syndrome and no experimental evidence demonstrating its impact on protein function have been reported. Two clinical diagnostic laboratories have submitted clinical-significance assessments for this variant to ClinVar after 2014 without evidence for independent evaluation. All laboratories classified the variant as uncertain significance. Based on the evidence outlined above, the variant was classified as uncertain significance.

Ambry Genetics
Classification: Uncertain significance for Hereditary cancer-predisposing syndrome. Last evaluated: 2015-12-19. Review status: criteria provided, single submitter. Criteria: Ambry Variant Classification Scheme 2023. Collection method: clinical testing. Allele origin: germline.
Comment: The p.V1132A variant (also known as c.3395T>C), located in coding exon 5 of the MSH6 gene, results from a T to C substitution at nucleotide position 3395. The valine at codon 1132 is replaced by alanine, an amino acid with similar properties. This amino acid position is highly conserved in available vertebrate species. In addition, this alteration is predicted to be deleterious by in silico analysis. Since supporting evidence is limited at this time, the clinical significance of this alteration remains unclear.

NM_000179.3(MSH6):c.3395T>C (p.Val1132Ala)

Gene: MSH6 (mutS homolog 6; plus strand). Cytogenetic location: 2p16.3.
Variant type: single nucleotide variant.
Coding change: c.3395T>C on transcript NM_000179.3 (MANE Select); coding-DNA position 3395, T replaced by C.
Protein change: p.Val1132Ala; replaces valine 1132 with alanine.
Molecular consequence: missense variant.
Genome position (GRCh38, 1-based): chr2:47,803,642, T>C. VCF-style: chr2-47803642-T-C. GRCh37 (hg19) VCF-style: chr2-48030781-T-C.
Other names: c.3005T>C, p.Val1002Ala (NM_001281492.2); c.2489T>C, p.Val830Ala (NM_001281493.2, NM_001281494.2); short protein forms V1132A, V830A, V1002A.
Identifiers: ClinVar variation 428318 (VCV000428318.15), dbSNP rs1114167711, ClinGen allele CA346758859.